The following is an entry in ClinVar:

NM_001183.6(ATP6AP1):c.610G>A (p.Gly204Arg)

Gene: ATP6AP1 (ATPase H+ transporting accessory protein 1; plus strand). Cytogenetic location: Xq28.
Variant type: single nucleotide variant.
Coding change: c.610G>A on transcript NM_001183.6 (MANE Select); coding-DNA position 610, G replaced by A.
Protein change: p.Gly204Arg; replaces glycine 204 with arginine.
Molecular consequence: missense variant.
Genome position (GRCh38, 1-based): chrX:154,433,646, G>A. VCF-style: chrX-154433646-G-A. GRCh37 (hg19) VCF-style: chrX-153661992-G-A.
Other names: short protein forms G204R.
Identifiers: ClinVar variation 2181618 (VCV002181618.4), dbSNP rs782696227, ClinGen allele CA10562672.

ClinVar aggregate classification (germline): Uncertain significance (1 of 4 stars; one submission).

Allele frequency attached by ClinVar (database versions not stated): gnomAD exomes below 0.00001; ExAC 0.00002; gnomAD 0.00003; TOPMed 0.00003; 1000 Genomes Project 30x 0.00021; 1000 Genomes Project 0.00026.
gnomAD v4.1: 8 of 1,210,268 alleles (0.00066%); highest among the groups gnomAD compares: African/African-American, 0.007%; no homozygotes.

Submission:

Labcorp Genetics (formerly Invitae), Labcorp
Classification: Uncertain significance. Last evaluated: 2026-01-05. Review status: criteria provided, single submitter. Criteria: Invitae Variant Classification Sherloc (09022015). Collection method: clinical testing. Allele origin: germline.
Comment: This sequence change replaces glycine, which is neutral and non-polar, with arginine, which is basic and polar, at codon 204 of the ATP6AP1 protein (p.Gly204Arg). This variant is present in population databases (rs782696227, gnomAD 0.01%), including at least one homozygous and/or hemizygous individual. This variant has not been reported in the literature in individuals affected with ATP6AP1-related conditions. ClinVar contains an entry for this variant (Variation ID: 2181618). Invitae Evidence Modeling of protein sequence and biophysical properties (such as structural, functional, and spatial information, amino acid conservation, physicochemical variation, residue mobility, and thermodynamic stability) indicates that this missense variant is not expected to disrupt ATP6AP1 protein function with a negative predictive value of 80%. In summary, the available evidence is currently insufficient to determine the role of this variant in disease. Therefore, it has been classified as a Variant of Uncertain Significance.